The following is an entry in ClinVar:

ClinVar aggregate classification (germline): Uncertain significance (1 of 4 stars; one submission).

Conditions:
Familial thoracic aortic aneurysm and aortic dissection (TAAD). Also called: Thoracic aortic aneurysms and dissections. Identifiers: Orphanet 91387, MedGen C4707243, MONDO:0019625.
Hereditary cancer-predisposing syndrome. Also called: Hereditary Cancer Syndrome; Hereditary neoplastic syndrome; Neoplastic Syndromes, Hereditary; Tumor predisposition. Identifiers: Orphanet 140162, MedGen C0027672, MeSH D009386, MONDO:0015356.

Submission:

Ambry Genetics
Classification: Uncertain significance for Hereditary cancer-predisposing syndrome; Familial thoracic aortic aneurysm and aortic dissection. Last evaluated: 2026-08-03. Review status: criteria provided, single submitter. Criteria: Ambry Variant Classification Scheme 2023. Collection method: clinical testing. Allele origin: germline.
Comment: The p.Y322C variant (also known as c.965A>G), located in coding exon 8 of the SMAD4 gene, results from an A to G substitution at nucleotide position 965. The tyrosine at codon 322 is replaced by cysteine, an amino acid with highly dissimilar properties. This amino acid position is highly conserved in available vertebrate species. In addition, this alteration is predicted to be deleterious by in silico analysis. Based on the available evidence, the clinical significance of this variant remains unclear.

NM_005359.6(SMAD4):c.965A>G (p.Tyr322Cys)

Gene: SMAD4 (SMAD family member 4; plus strand). Cytogenetic location: 18q21.2.
Variant type: single nucleotide variant.
Coding change: c.965A>G on transcript NM_005359.6 (MANE Select); coding-DNA position 965, A replaced by G.
Protein change: p.Tyr322Cys; replaces tyrosine 322 with cysteine.
Molecular consequence: missense variant. On other transcripts: non-coding transcript variant (2).
Genome position (GRCh38, 1-based): chr18:51,065,432, A>G. VCF-style: chr18-51065432-A-G. GRCh37 (hg19) VCF-style: chr18-48591802-A-G.
Other names: c.965A>G, p.Tyr322Cys (NM_001407041.1, NM_001407042.1, NM_001407043.1); short protein forms Y322C.
Identifiers: ClinVar variation 2452521 (VCV002452521.3), dbSNP rs2144446369, ClinGen allele CA402464096.